The following is an entry in ClinVar:

NM_018063.5(HELLS):c.1460C>A (p.Thr487Lys)

Gene: HELLS (helicase, lymphoid specific; plus strand). Cytogenetic location: 10q23.33.
Variant type: single nucleotide variant.
Coding change: c.1460C>A on transcript NM_018063.5 (MANE Select); coding-DNA position 1460, C replaced by A.
Protein change: p.Thr487Lys; replaces threonine 487 with lysine.
Molecular consequence: missense variant.
Genome position (GRCh38, 1-based): chr10:94,588,362, C>A. VCF-style: chr10-94588362-C-A. GRCh37 (hg19) VCF-style: chr10-96348119-C-A.
Other names: c.1598C>A, p.Thr533Lys (NM_001289067.2); c.1412C>A, p.Thr471Lys (NM_001289068.2); c.1364C>A, p.Thr455Lys (NM_001289069.2); c.1166C>A, p.Thr389Lys (NM_001289070.2); c.1088C>A, p.Thr363Lys (NM_001289071.2); c.1070C>A, p.Thr357Lys (NM_001289072.2); c.1046C>A, p.Thr349Lys (NM_001289073.2); c.377C>A, p.Thr126Lys (NM_001289074.2); and 1 more; short protein forms T126K, T349K, T357K, T363K, T389K, T455K, T471K, T487K.
Identifiers: ClinVar variation 1712818 (VCV001712818.2), dbSNP rs2493257242, ClinGen allele CA377664480.
Genomic context (GRCh38, chr10:94,588,362, plus strand): 5'-TCGTTTATGCTCCACTTTCAAAGAAGCAGGAGATCTTTTATACAGCCATTGTGAACCGTA[C>A]AATTGCAAACATGTTTGGATCCAGTGAGGTATAGTGGTTTTGAAATGTACTGTAAATGAA-3'
Protein context (NP_060533.2, residues 477-497): EIFYTAIVNR[Thr487Lys]IANMFGSSEK

ClinVar aggregate classification (germline): Uncertain significance (1 of 4 stars; one submission).

Submission:

GeneDx
Classification: Uncertain significance. Last evaluated: 2022-04-26. Review status: criteria provided, single submitter. Criteria: GeneDx Variant Classification Process June 2021. Collection method: clinical testing. Allele origin: germline. Affected: yes.
Comment: Not observed at significant frequency in large population cohorts (gnomAD); In silico analysis supports that this missense variant has a deleterious effect on protein structure/function; Has not been previously published as pathogenic or benign to our knowledge